The following is an entry in ClinVar:

NM_005458.8(GABBR2):c.2399T>A (p.Met800Lys)

Gene: GABBR2 (gamma-aminobutyric acid type B receptor subunit 2; minus strand). Cytogenetic location: 9q22.33.
Variant type: single nucleotide variant.
Coding change: c.2399T>A on transcript NM_005458.8 (MANE Select); coding-DNA position 2399, T replaced by A.
Protein change: p.Met800Lys; replaces methionine 800 with lysine.
Molecular consequence: missense variant.
Genome position (GRCh38, 1-based): chr9:98,303,254, A>T on the plus strand (T>A on the coding strand, the complement: GABBR2 is on the minus strand). VCF-style: chr9-98303254-A-T. GRCh37 (hg19) VCF-style: chr9-101065536-A-T.
Other names: short protein forms M800K.
Identifiers: ClinVar variation 3661019 (VCV003661019.2).

ClinVar aggregate classification (germline): Uncertain significance (1 of 4 stars; one submission).

Conditions:
Epileptic encephalopathy. Identifiers: MedGen C0543888, HP:0200134.

Submission:

Labcorp Genetics (formerly Invitae), Labcorp
Classification: Uncertain significance for Epileptic encephalopathy. Last evaluated: 2024-08-06. Review status: criteria provided, single submitter. Criteria: Invitae Variant Classification Sherloc (09022015). Collection method: clinical testing. Allele origin: germline.
Comment: This sequence change replaces methionine, which is neutral and non-polar, with lysine, which is basic and polar, at codon 800 of the GABBR2 protein (p.Met800Lys). This variant is not present in population databases (gnomAD no frequency). This variant has not been reported in the literature in individuals affected with GABBR2-related conditions. Advanced modeling of protein sequence and biophysical properties (such as structural, functional, and spatial information, amino acid conservation, physicochemical variation, residue mobility, and thermodynamic stability) performed at Invitae indicates that this missense variant is not expected to disrupt GABBR2 protein function with a negative predictive value of 80%. In summary, the available evidence is currently insufficient to determine the role of this variant in disease. Therefore, it has been classified as a Variant of Uncertain Significance.